The following is an entry in ClinVar:

ClinVar aggregate classification (germline): Uncertain significance (1 of 4 stars; one submission).

Allele frequency attached by ClinVar (database versions not stated): gnomAD exomes below 0.00001; TOPMed below 0.00001; gnomAD 0.00001.
gnomAD v4.1: 6 of 1,613,778 alleles (0.00037%); highest among the groups gnomAD compares: Non-Finnish European, 0.00051%; no homozygotes.

Submission:

Labcorp Genetics (formerly Invitae), Labcorp
Classification: Uncertain significance. Last evaluated: 2021-09-18. Review status: criteria provided, single submitter. Criteria: Invitae Variant Classification Sherloc (09022015). Collection method: clinical testing. Allele origin: germline.
Comment: In summary, the available evidence is currently insufficient to determine the role of this variant in disease. Therefore, it has been classified as a Variant of Uncertain Significance. Algorithms developed to predict the effect of missense changes on protein structure and function are either unavailable or do not agree on the potential impact of this missense change (SIFT: "Deleterious"; PolyPhen-2: "Not Available"; Align-GVGD: "Class C0"). This variant has not been reported in the literature in individuals affected with PTPN23-related conditions. This variant is not present in population databases (ExAC no frequency). This sequence change replaces arginine with glutamine at codon 81 of the PTPN23 protein (p.Arg81Gln). The arginine residue is highly conserved and there is a small physicochemical difference between arginine and glutamine.

NM_015466.4(PTPN23):c.242G>A (p.Arg81Gln)

Gene: PTPN23 (protein tyrosine phosphatase non-receptor type 23; plus strand). Cytogenetic location: 3p21.31.
Variant type: single nucleotide variant.
Coding change: c.242G>A on transcript NM_015466.4 (MANE Select); coding-DNA position 242, G replaced by A.
Protein change: p.Arg81Gln; replaces arginine 81 with glutamine.
Molecular consequence: missense variant. On other transcripts: intron variant (1).
Genome position (GRCh38, 1-based): chr3:47,404,734, G>A. VCF-style: chr3-47404734-G-A. GRCh37 (hg19) VCF-style: chr3-47446224-G-A.
Other names: c.-91-271G>A (NM_001304482.2); short protein forms R81Q.
Identifiers: ClinVar variation 1381894 (VCV001381894.6), dbSNP rs763078680, ClinGen allele CA73869854.